The following is an entry in ClinVar:

ClinVar aggregate classification (germline): Uncertain significance. Review status: criteria provided, multiple submitters, no conflicts (2 of 4 stars). 2 submissions from 2 submitters: Uncertain significance (2). Last evaluated 2025-12-15.

Allele frequency attached by ClinVar (database versions not stated): TOPMed 0.00001; gnomAD 0.00002; ExAC 0.00008.
gnomAD v4.1: 62 of 1,614,098 alleles (0.0038%); highest among the groups gnomAD compares: South Asian, 0.067%; no homozygotes.

Submissions (2):

Labcorp Genetics (formerly Invitae), Labcorp
Classification: Uncertain significance. Last evaluated: 2025-12-15. Review status: criteria provided, single submitter. Criteria: Invitae Variant Classification Sherloc (09022015). Collection method: clinical testing. Allele origin: germline.
Comment: This sequence change replaces cysteine, which is neutral and slightly polar, with serine, which is neutral and polar, at codon 449 of the SIAE protein (p.Cys449Ser). This variant is present in population databases (rs747106590, gnomAD 0.07%), and has an allele count higher than expected for a pathogenic variant. This variant has not been reported in the literature in individuals affected with SIAE-related conditions. ClinVar contains an entry for this variant (Variation ID: 2419893). An algorithm developed to predict the effect of missense changes on protein structure and function (PolyPhen-2) suggests that this variant is likely to be tolerated. In summary, the available evidence is currently insufficient to determine the role of this variant in disease. Therefore, it has been classified as a Variant of Uncertain Significance.

Ambry Genetics
Classification: Uncertain significance. Last evaluated: 2024-03-16. Review status: criteria provided, single submitter. Criteria: Ambry Variant Classification Scheme 2023. Collection method: clinical testing. Allele origin: germline.

NM_170601.5(SIAE):c.1345T>A (p.Cys449Ser)

Gene: SIAE (sialic acid acetylesterase; minus strand). Cytogenetic location: 11q24.2.
Variant type: single nucleotide variant.
Coding change: c.1345T>A on transcript NM_170601.5 (MANE Select); coding-DNA position 1345, T replaced by A.
Protein change: p.Cys449Ser; replaces cysteine 449 with serine.
Molecular consequence: missense variant.
Genome position (GRCh38, 1-based): chr11:124,637,178, A>T on the plus strand (T>A on the coding strand, the complement: SIAE is on the minus strand). VCF-style: chr11-124637178-A-T. GRCh37 (hg19) VCF-style: chr11-124507074-A-T.
Other names: c.1240T>A, p.Cys414Ser (NM_001199922.2); c.1345T>A (NM_170601.4); short protein forms C414S, C449S.
Identifiers: ClinVar variation 2419893 (VCV002419893.7), dbSNP rs747106590, ClinGen allele CA6341198.